The following is an entry in ClinVar:

ClinVar aggregate classification (germline): Uncertain significance. Review status: criteria provided, multiple submitters, no conflicts (2 of 4 stars). 2 submissions from 2 submitters: Uncertain significance (2). Last evaluated 2023-08-30.

Allele frequency attached by ClinVar (database versions not stated): TOPMed 0.00011; gnomAD 0.00012; gnomAD exomes 0.00016; 1000 Genomes Project 0.00020; ExAC 0.00023; ESP Exome Variant Server 0.00025; 1000 Genomes Project 30x 0.00031.
gnomAD v4.1: 243 of 1,590,912 alleles (0.015%); highest among the groups gnomAD compares: Admixed American, 0.019%; no homozygotes.

Submissions (2):

Labcorp Genetics (formerly Invitae), Labcorp
Classification: Uncertain significance. Last evaluated: 2023-08-30. Review status: criteria provided, single submitter. Criteria: Invitae Variant Classification Sherloc (09022015). Collection method: clinical testing. Allele origin: germline.
Comment: This sequence change replaces threonine, which is neutral and polar, with methionine, which is neutral and non-polar, at codon 97 of the EXOC6B protein (p.Thr97Met). This variant is present in population databases (rs375425918, gnomAD 0.03%). This variant has not been reported in the literature in individuals affected with EXOC6B-related conditions. ClinVar contains an entry for this variant (Variation ID: 2148427). Experimental studies and prediction algorithms are not available or were not evaluated, and the functional significance of this variant is currently unknown. In summary, the available evidence is currently insufficient to determine the role of this variant in disease. Therefore, it has been classified as a Variant of Uncertain Significance.

Ambry Genetics
Classification: Uncertain significance. Last evaluated: 2023-02-23. Review status: criteria provided, single submitter. Criteria: Ambry Variant Classification Scheme 2023. Collection method: clinical testing. Allele origin: germline.

NM_015189.3(EXOC6B):c.290C>T (p.Thr97Met)

Gene: EXOC6B (exocyst complex component 6B; minus strand). Cytogenetic location: 2p13.2.
Variant type: single nucleotide variant.
Coding change: c.290C>T on transcript NM_015189.3 (MANE Select); coding-DNA position 290, C replaced by T.
Protein change: p.Thr97Met; replaces threonine 97 with methionine.
Molecular consequence: missense variant. On other transcripts: 5 prime UTR variant (1), non-coding transcript variant (2).
Genome position (GRCh38, 1-based): chr2:72,733,108, G>A on the plus strand (C>T on the coding strand, the complement: EXOC6B is on the minus strand). VCF-style: chr2-72733108-G-A. GRCh37 (hg19) VCF-style: chr2-72960237-G-A.
Other names: c.290C>T, p.Thr97Met (NM_001321729.2, NM_001321730.2, NM_001321731.2 and 1 more transcripts); c.-50C>T (NM_001321734.2); c.290C>T (NM_015189.1); short protein forms T97M.
Identifiers: ClinVar variation 2148427 (VCV002148427.4), dbSNP rs375425918, ClinGen allele CA1708786.
Genomic context (GRCh38, chr2:72,733,108, plus strand): 5'-TTCAAAAGGTAAACTGGTCTTACTTCCTTTCCCTCATGTTGTAGTTTTCTATTAGTATCC[G>A]TCACTTGATTCTGTGGAGAGAAGACAATTTAAACTCATAAAAAACAAACATTTAGACAAT-3'
Protein context (NP_056004.1, residues 87-107): GEAQKLKNQV[Thr97Met]DTNRKLQHEG